The following is an entry in ClinVar:

ClinVar aggregate classification (germline): Uncertain significance (0 of 4 stars; one submission).

Conditions:
HECTD4-related disorder. Also called: HECTD4-related condition.

Submission:

PreventionGenetics, part of Exact Sciences
Classification: Uncertain significance for HECTD4-related condition. Last evaluated: 2024-01-30. Review status: no assertion criteria provided. Collection method: clinical testing. Allele origin: germline.
Comment: The HECTD4 c.8672G>C variant is predicted to result in the amino acid substitution p.Gly2891Ala. To our knowledge, this variant has not been reported in the literature or in a large population database, indicating this variant is rare. At this time, the clinical significance of this variant is uncertain due to the absence of conclusive functional and genetic evidence.

NM_001388303.1(HECTD4):c.9074G>C (p.Gly3025Ala)

Gene: HECTD4 (HECT domain E3 ubiquitin protein ligase 4; minus strand). Cytogenetic location: 12q24.13.
Variant type: single nucleotide variant.
Coding change: c.9074G>C on transcript NM_001388303.1 (MANE Select); coding-DNA position 9074, G replaced by C.
Protein change: p.Gly3025Ala; replaces glycine 3025 with alanine.
Molecular consequence: missense variant.
Genome position (GRCh38, 1-based): chr12:112,193,073, C>G on the plus strand (G>C on the coding strand, the complement: HECTD4 is on the minus strand). VCF-style: chr12-112193073-C-G. GRCh37 (hg19) VCF-style: chr12-112630877-C-G.
Other names: c.9104G>C, p.Gly3035Ala (NM_001109662.4); short protein forms G3025A, G3035A.
Identifiers: ClinVar variation 3031709 (VCV003031709.2), dbSNP rs2499797924, ClinGen allele CA386774677.